The following is an entry in ClinVar:

NM_000748.3(CHRNB2):c.422G>A (p.Gly141Asp)

Gene: CHRNB2 (cholinergic receptor nicotinic beta 2 subunit; plus strand). Cytogenetic location: 1q21.3.
Variant type: single nucleotide variant.
Coding change: c.422G>A on transcript NM_000748.3 (MANE Select); coding-DNA position 422, G replaced by A.
Protein change: p.Gly141Asp; replaces glycine 141 with aspartic acid.
Molecular consequence: missense variant.
Genome position (GRCh38, 1-based): chr1:154,571,245, G>A. VCF-style: chr1-154571245-G-A. GRCh37 (hg19) VCF-style: chr1-154543721-G-A.
Other names: short protein forms G141D.
Identifiers: ClinVar variation 3343108 (VCV003343108.1).
Genomic context (GRCh38, chr1:154,571,245, plus strand): 5'-GCAGTGCTGACGGCATGTACGAGGTGTCCTTCTATTCCAATGCCGTGGTCTCCTATGATG[G>A]CAGCATCTTCTGGCTGCCGCCTGCCATCTACAAGAGCGCATGCAAGATTGAAGTAAAGCA-3'
Protein context (NP_000739.1, residues 131-151): FYSNAVVSYD[Gly141Asp]SIFWLPPAIY

ClinVar aggregate classification (germline): Uncertain significance (1 of 4 stars; one submission).

Submission:

GeneDx
Classification: Uncertain significance. Last evaluated: 2023-04-13. Review status: criteria provided, single submitter. Criteria: GeneDx Variant Classification Process June 2021. Collection method: clinical testing. Allele origin: germline. Affected: yes.
Comment: Not observed at significant frequency in large population cohorts (gnomAD); In silico analysis supports that this missense variant has a deleterious effect on protein structure/function; Has not been previously published as pathogenic or benign to our knowledge